The following is an entry in ClinVar:

NM_007294.4(BRCA1):c.4475G>A (p.Gly1492Glu)

Gene: BRCA1 (BRCA1 DNA repair associated; minus strand). Cytogenetic location: 17q21.31.
Variant type: single nucleotide variant.
Coding change: c.4475G>A on transcript NM_007294.4 (MANE Select); coding-DNA position 4475, G replaced by A.
Protein change: p.Gly1492Glu; replaces glycine 1492 with glutamic acid.
Molecular consequence: missense variant. On other transcripts: non-coding transcript variant (1).
Genome position (GRCh38, 1-based): chr17:43,076,497, C>T on the plus strand (G>A on the coding strand, the complement: BRCA1 is on the minus strand). VCF-style: chr17-43076497-C-T. GRCh37 (hg19) VCF-style: chr17-41228514-C-T.
Other names: c.1040G>A, p.Gly347Glu (NM_001408443.1, NM_001408444.1, NM_001408432.1 and 10 more transcripts); c.1037G>A, p.Gly346Glu (NM_001408445.1, NM_001408446.1, NM_001408447.1 and 2 more transcripts); c.1031G>A, p.Gly344Glu (NM_001408451.1); c.1025G>A, p.Gly342Glu (NM_001408452.1, NM_001408453.1, NM_001408454.1 and 3 more transcripts); c.1022G>A, p.Gly341Glu (NM_001408458.1, NM_001408459.1, NM_001408460.1 and 7 more transcripts); c.1019G>A, p.Gly340Glu (NM_001408468.1, NM_001408469.1, NM_001408470.1); c.1163G>A, p.Gly388Glu (NM_001408472.1, NM_007298.4, NM_007299.4 and 13 more transcripts); c.1160G>A, p.Gly387Glu (NM_001408473.1, NM_001408392.1, NM_001408396.1 and 8 more transcripts); and 68 more; short protein forms G1492E, G1513E, G1445E, G388E, G1195E, G1323E, G1364E, G1379E.
Identifiers: ClinVar variation 839626 (VCV000839626.11), dbSNP rs2052719059, ClinGen allele CA10592582.

ClinVar aggregate classification (germline): Uncertain significance (1 of 4 stars; one submission).

Conditions:
Hereditary breast ovarian cancer syndrome. Also called: Hereditary breast and ovarian cancer syndrome (HBOC); Hereditary breast and ovarian cancer; Hereditary breast and/or ovarian cancer syndrome; Hereditary breast and ovarian cancer syndrome; Breast and ovarian cancer; BRCA1- and BRCA2-Associated Hereditary Breast and Ovarian Cancer. Identifiers: Orphanet 145, MedGen C0677776, MeSH D061325, MONDO:0003582. Disease mechanism: loss of function.

Submission:

Labcorp Genetics (formerly Invitae), Labcorp
Classification: Uncertain significance for Hereditary breast ovarian cancer syndrome. Last evaluated: 2019-12-08. Review status: criteria provided, single submitter. Criteria: Invitae Variant Classification Sherloc (09022015). Collection method: clinical testing. Allele origin: germline.
Comment: This variant has not been reported in the literature in individuals with BRCA1-related conditions. In summary, the available evidence is currently insufficient to determine the role of this variant in disease. Therefore, it has been classified as a Variant of Uncertain Significance. Algorithms developed to predict the effect of missense changes on protein structure and function output the following: SIFT: "Tolerated"; PolyPhen-2: "Benign"; Align-GVGD: "Class C15". The glutamic acid amino acid residue is found in multiple mammalian species, suggesting that this missense change does not adversely affect protein function. These predictions have not been confirmed by published functional studies and their clinical significance is uncertain. This variant is not present in population databases (ExAC no frequency). This sequence change replaces glycine with glutamic acid at codon 1492 of the BRCA1 protein (p.Gly1492Glu). The glycine residue is moderately conserved and there is a moderate physicochemical difference between glycine and glutamic acid.